The following is an entry in ClinVar:

ClinVar aggregate classification (germline): Uncertain significance (1 of 4 stars; one submission).

Conditions:
Gastrointestinal stromal tumor. Also called: Gastrointestinal stromal tumor, somatic; Gastrointestinal stroma tumor. Identifiers: Orphanet 44890, MedGen C0238198, MeSH D046152, MONDO:0011719, OMIM 606764, HP:0100723.

Submission:

Labcorp Genetics (formerly Invitae), Labcorp
Classification: Uncertain significance for Gastrointestinal stromal tumor. Last evaluated: 2025-07-29. Review status: criteria provided, single submitter. Criteria: Invitae Variant Classification Sherloc (09022015). Collection method: clinical testing. Allele origin: germline.
Comment: This sequence change creates a premature translational stop signal (p.Gln397*) in the PDGFRA gene. It is expected to result in an absent or disrupted protein product. However, the current clinical and genetic evidence is not sufficient to establish whether loss-of-function variants in PDGFRA cause disease. This variant is not present in population databases (gnomAD no frequency). This variant has not been reported in the literature in individuals affected with PDGFRA-related conditions. In summary, the available evidence is currently insufficient to determine the role of this variant in disease. Therefore, it has been classified as a Variant of Uncertain Significance.

NM_006206.6(PDGFRA):c.1189C>T (p.Gln397Ter)

Gene: PDGFRA (platelet derived growth factor receptor alpha; plus strand). Cytogenetic location: 4q12.
Variant type: single nucleotide variant.
Coding change: c.1189C>T on transcript NM_006206.6 (MANE Select); coding-DNA position 1189, C replaced by T.
Protein change: p.Gln397Ter; replaces glutamine 397 with a stop codon.
Molecular consequence: nonsense.
Genome position (GRCh38, 1-based): chr4:54,270,700, C>T. VCF-style: chr4-54270700-C-T. GRCh37 (hg19) VCF-style: chr4-55136867-C-T.
Other names: c.1264C>T, p.Gln422Ter (NM_001347828.2); c.1189C>T, p.Gln397Ter (NM_001347829.2, NM_001347827.2); c.1228C>T, p.Gln410Ter (NM_001347830.2); short protein forms Q397*, Q410*, Q422*.
Identifiers: ClinVar variation 4724199 (VCV004724199.1).